The following is an entry in ClinVar:

NM_000369.5(TSHR):c.224T>C (p.Leu75Pro)

Genes: TSHR (thyroid stimulating hormone receptor; plus strand), TSHR-AS1 (TSHR antisense RNA 1; minus strand). Cytogenetic location: 14q31.1.
Variant type: single nucleotide variant.
Coding change: c.224T>C on transcript NM_000369.5 (MANE Select); coding-DNA position 224, T replaced by C.
Protein change: p.Leu75Pro; replaces leucine 75 with proline.
Molecular consequence: missense variant.
Genome position (GRCh38, 1-based): chr14:81,062,201, T>C. VCF-style: chr14-81062201-T-C. GRCh37 (hg19) VCF-style: chr14-81528545-T-C.
Other names: c.224T>C, p.Leu75Pro (NM_001018036.3, NM_001142626.3); short protein forms L75P.
Identifiers: ClinVar variation 3778826 (VCV003778826.1).
Genomic context (GRCh38, chr14:81,062,201, plus strand): 5'-TTCACAGGAAGCTTATTGAGACTCACCTGAGAACTATTCCAAGTCATGCATTTTCTAATC[T>C]GCCCAATATTTCCAGAATGTAAGTTTTTTTAATATAAAGAAAAGTTTGCATTTGTGATAT-3'
Protein context (NP_000360.2, residues 65-85): RTIPSHAFSN[Leu75Pro]PNISRIYVSI

ClinVar aggregate classification (germline): Likely pathogenic (1 of 4 stars; one submission).

Conditions:
Hypothyroidism due to TSH receptor mutations. Also called: HYPOTHYROIDISM DUE TO UNRESPONSIVENESS TO THYROTROPIN; HYPOTHYROIDISM, CONGENITAL, DUE TO TSH RESISTANCE; HYPOTHYROIDISM, NONAUTOIMMUNE; THYROID-STIMULATING HORMONE, RESISTANCE TO; TSH RESISTANCE; Hypothyroidism, congenital, nongoitrous, 1. Identifiers: Orphanet 90673, MedGen C3493776, MONDO:0010142, OMIM 275200.

Submission:

Constantin Polychronakos Laboratory, The Research Institute of the McGill University Health Centre
Classification: Likely pathogenic for Hypothyroidism due to TSH receptor mutations. Last evaluated: 2025-04-15. Review status: criteria provided, single submitter. Criteria: ACMG Guidelines, 2015. Collection method: clinical testing. Allele origin: germline. Affected: yes.
Comment: A homozygous NM_000369.5(TSHR):c.224T>C(p.Leu75Pro) variant was detected in two affected siblings with thyroid dysgenesis (athyrosis), both of which had a clinical history of ophthalmic abnormalities such as persistent strabismus and light sensitivity. Both carrier parents had a normal thyroid function. The variant was absent in control chromosomes in GnomAD project (PM2). In-silico tools predict a pathogenic outcome for this variant (PP3). This is a missense variant in a gene in which missense variants are a common mechanism of disease (PP2). Patient’s phenotype or family history is highly specific for congenital hypothyroidism due to TSHR mutations (PP4). The variant detected in a homozygous state in affected cases in congenital hypothyroidism due to TSHR mutation with a possibility of recessive inheritance (PM3). This variant co-segregated with congenital hypothyroidism in the family (PP1). According to ACMG guidelines, the c.224T>C variant is classified as Likely Pathogenic.

Literature cited by the submitters: DOI 10.3389/fendo.2025.1559281.